The following is an entry in ClinVar:

ClinVar aggregate classification (germline): Pathogenic (1 of 4 stars; one submission).

Conditions:
Retinitis pigmentosa (RP). Identifiers: Orphanet 791, MedGen C0035334, MeSH D012174, MONDO:0019200, OMIM 268000. Inheritance: Autosomal dominant, autosomal recessive and X linked inheritance.

Submission:

Ophthalmic Genetics Group, Institute of Molecular and Clinical Ophthalmology Basel
Classification: Pathogenic for Retinitis pigmentosa. Last evaluated: 2025-10-01. Review status: criteria provided, single submitter. Criteria: ACMG Guidelines, 2015. Collection method: research. Allele origin: germline. Affected: yes. Observed: 17 variant alleles.
Comment: The NR_003137.2:n.56T>C variant is a single nucleotide variant in RNU4-2. It was found in 10 unrelated probands with retinitis pigmentosa among ~5,000 cases tested. It is absent from gnomAD (v4.1.0) and from AllofUs. It was therefore significantly enriched (Fisher's exact test) in cases vs controls and we applied PS4 criteria. PM2_sup was not applied to avoid counting evidence already used for PS4 criteria. It also was present in 7 affected family members and therefore PP1_strong was applied. It was also shown to affect a conserved region and to have an effect on the U4/U6 duplex modeled in 2D. In summary, using ACMG criteria and more specifically ClinGen recommendations, this variant was classified as pathogenic with PS4 and PP1_strong criteria.

NR_003137.3(RNU4-2):n.56T>C

Genes: RNU4-2 (RNA, U4 small nuclear 2; minus strand), SIRT4 (sirtuin 4; plus strand). Cytogenetic location: 12q24.23.
Variant type: single nucleotide variant.
Molecular consequence: non-coding transcript variant (on NR_003137.3).
Genome position: GRCh38 VCF-style: chr12-120291848-A-G. GRCh37 (hg19) VCF-style: chr12-120729651-A-G.
Other names: NC_000012.12:g.120291848A>G.
Identifiers: ClinVar variation 4282507 (VCV004282507.1).